The following is an entry in ClinVar:

NM_000052.7(ATP7A):c.1400C>A (p.Thr467Asn)

Gene: ATP7A (ATPase copper transporting alpha; plus strand). Cytogenetic location: Xq21.1.
Variant type: single nucleotide variant.
Coding change: c.1400C>A on transcript NM_000052.7 (MANE Select); coding-DNA position 1400, C replaced by A.
Protein change: p.Thr467Asn; replaces threonine 467 with asparagine.
Molecular consequence: missense variant.
Genome position (GRCh38, 1-based): chrX:77,998,541, C>A. VCF-style: chrX-77998541-C-A. GRCh37 (hg19) VCF-style: chrX-77254038-C-A.
Other names: c.1400C>A, p.Thr467Asn (NM_001282224.2); short protein forms T467N.
Identifiers: ClinVar variation 3753804 (VCV003753804.2).
Genomic context (GRCh38, chrX:77,998,541, plus strand): 5'-CGAATGAGCCGTTGGTAGTAATAGCTCAGCCTTCATCGGAAATGCCGCTTTTGACTTCAA[C>A]TAATGAATTTTATACTAAAGGGATGACACCAGTTCAAGACAAGGAGGAAGGAAAGAATTC-3'
Protein context (NP_000043.4, residues 457-477): PSSEMPLLTS[Thr467Asn]NEFYTKGMTP

ClinVar aggregate classification (germline): Uncertain significance (1 of 4 stars; one submission).

Conditions:
Menkes kinky-hair syndrome (MNK). Also called: Copper transport disease; Menkes Disease; Classic Menkes Disease. Identifiers: Orphanet 565, MedGen C0022716, MONDO:0010651, OMIM 309400.
X-linked distal spinal muscular atrophy type 3. Also called: ATP7A-Related Distal Motor Neuropathy; SPINAL MUSCULAR ATROPHY, DISTAL, X-LINKED RECESSIVE; NEURONOPATHY, DISTAL HEREDITARY MOTOR, X-LINKED; NEUROPATHY, DISTAL HEREDITARY MOTOR, X-LINKED. Identifiers: Orphanet 139557, MedGen C1845359, MONDO:0010338, OMIM 300489.
Cutis laxa, X-linked (OHS). Also called: EDS IX; Occipital horn syndrome. Identifiers: Orphanet 198, MedGen C0268353, MONDO:0010572, OMIM 304150.

Submission:

Labcorp Genetics (formerly Invitae), Labcorp
Classification: Uncertain significance for X-linked distal spinal muscular atrophy type 3; Cutis laxa, X-linked; Menkes kinky-hair syndrome. Last evaluated: 2024-03-07. Review status: criteria provided, single submitter. Criteria: Invitae Variant Classification Sherloc (09022015). Collection method: clinical testing. Allele origin: germline.
Comment: This sequence change replaces threonine, which is neutral and polar, with asparagine, which is neutral and polar, at codon 467 of the ATP7A protein (p.Thr467Asn). This variant is not present in population databases (gnomAD no frequency). This variant has not been reported in the literature in individuals affected with ATP7A-related conditions. Advanced modeling of protein sequence and biophysical properties (such as structural, functional, and spatial information, amino acid conservation, physicochemical variation, residue mobility, and thermodynamic stability) performed at Invitae indicates that this missense variant is not expected to disrupt ATP7A protein function with a negative predictive value of 95%. In summary, the available evidence is currently insufficient to determine the role of this variant in disease. Therefore, it has been classified as a Variant of Uncertain Significance.